The following is an entry in ClinVar:

ClinVar aggregate classification (germline): Uncertain significance (1 of 4 stars; one submission).

Conditions:
Inborn genetic diseases. Identifiers: MedGen C0950123, MeSH D030342.

Allele frequency attached by ClinVar (database versions not stated): gnomAD exomes below 0.00001.
gnomAD v4.1: 1 of 1,614,078 alleles (0.000062%); highest among the groups gnomAD compares: Non-Finnish European, 0.000085%; no homozygotes.

Submission:

Ambry Genetics
Classification: Uncertain significance for Inborn genetic diseases. Last evaluated: 2023-06-13. Review status: criteria provided, single submitter. Criteria: Ambry Variant Classification Scheme 2023. Collection method: clinical testing. Allele origin: germline.
Comment: The c.1256A>G (p.Q419R) alteration is located in exon 15 (coding exon 10) of the FOXP1 gene. This alteration results from a A to G substitution at nucleotide position 1256, causing the glutamine (Q) at amino acid position 419 to be replaced by an arginine (R). This variant was not reported in population-based cohorts in the Genome Aggregation Database (gnomAD). This amino acid position is highly conserved in available vertebrate species. This alteration is predicted to be tolerated by in silico analysis. Based on insufficient or conflicting evidence, the clinical significance of this alteration remains unclear.

NM_001349338.3(FOXP1):c.1256A>G (p.Gln419Arg)

Gene: FOXP1 (forkhead box P1; minus strand). Cytogenetic location: 3p13.
Variant type: single nucleotide variant.
Coding change: c.1256A>G on transcript NM_001349338.3 (MANE Select); coding-DNA position 1256, A replaced by G.
Protein change: p.Gln419Arg; replaces glutamine 419 with arginine.
Molecular consequence: missense variant. On other transcripts: non-coding transcript variant (2).
Genome position (GRCh38, 1-based): chr3:70,977,920, T>C on the plus strand (A>G on the coding strand, the complement: FOXP1 is on the minus strand). VCF-style: chr3-70977920-T-C. GRCh37 (hg19) VCF-style: chr3-71027071-T-C.
Other names: c.1256A>G, p.Gln419Arg (NM_001244808.3, NM_001244810.2, NM_001244814.3 and 4 more transcripts); c.1028A>G, p.Gln343Arg (NM_001244812.3); c.956A>G, p.Gln319Arg (NM_001244813.3, NM_001244815.2, NM_001349342.3 and 1 more transcripts); c.953A>G, p.Gln318Arg (NM_001349337.2, NM_001349343.3, NM_001349344.3); c.1253A>G, p.Gln418Arg (NM_001349341.3); short protein forms Q318R, Q319R, Q418R, Q343R, Q419R.
Identifiers: ClinVar variation 2554910 (VCV002554910.2), dbSNP rs2037927166, ClinGen allele CA353493579.
Genomic context (GRCh38, chr3:70,977,920, plus strand): 5'-TACCGCCTGCGGATGGGTCCCACCGTGTGCATGCTGGTGGTTGTGATGACAGAGGGGCCT[T>C]GGGTGACGGGAGTCAGGGGGGCGGTTGGGGTCGTTGGAGTATGAGGTAAGCTCTGTGGAG-3'
Protein context (NP_001336267.1, residues 409-429): TPTAPLTPVT[Gln419Arg]GPSVITTTSM